The following is an entry in ClinVar:

ClinVar aggregate classification (germline): Uncertain significance (1 of 4 stars; one submission).

Conditions:
Succinate-semialdehyde dehydrogenase deficiency (SSADHD). Also called: Succinic Semialdehyde Dehydrogenase Deficiency; SSADH DEFICIENCY; 4-HYDROXYBUTYRIC ACIDURIA; GABA METABOLIC DEFECT. Identifiers: Orphanet 22, MedGen C0268631, MONDO:0010083, OMIM 271980.

gnomAD v4.1: 2 of 1,614,048 alleles (0.00012%); highest among the groups gnomAD compares: Admixed American, 0.0033%; no homozygotes.

Submission:

3billion
Classification: Uncertain significance for Succinate-semialdehyde dehydrogenase deficiency. Last evaluated: 2024-02-15. Review status: criteria provided, single submitter. Criteria: ACMG Guidelines, 2015. Collection method: clinical testing. Allele origin: germline. Affected: yes.
Comment: The variant is observed at an extremely low frequency in the gnomAD v2.1.1 dataset (total allele frequency: <0.001%). Predicted Consequence/Location: Missense variant Damaging effect on gene or gene product predicted by in silico programs is uncertain [REVEL: 0.50 (damaging >=0.6, benign <0.4), 3Cnet: 0.02 (damaging >=0.6, benign <0.15)]. A different missense change at the same codon (p.Val500Leu) has been reported to be associated with ALDH5A1 related disorder (PMID: 28664505). However, the evidence of pathogenicity is insufficient at this time. Therefore, this variant is classified as VUS according to the recommendation of ACMG/AMP guideline.

Literature cited by the submitters: PubMed 28664505.

NM_001080.3(ALDH5A1):c.1498G>A (p.Val500Met)

Gene: ALDH5A1 (aldehyde dehydrogenase 5 family member A1; plus strand). Cytogenetic location: 6p22.3.
Variant type: single nucleotide variant.
Coding change: c.1498G>A on transcript NM_001080.3 (MANE Select); coding-DNA position 1498, G replaced by A.
Protein change: p.Val500Met; replaces valine 500 with methionine.
Molecular consequence: missense variant.
Genome position (GRCh38, 1-based): chr6:24,533,602, G>A. VCF-style: chr6-24533602-G-A. GRCh37 (hg19) VCF-style: chr6-24533830-G-A.
Other names: c.1354G>A, p.Val452Met (NM_001368954.1); c.1537G>A, p.Val513Met (NM_170740.1); short protein forms V452M, V500M, V513M.
Identifiers: ClinVar variation 3775884 (VCV003775884.1).